The following is an entry in ClinVar:

ClinVar aggregate classification (germline): Uncertain significance (1 of 4 stars; one submission).

Allele frequency attached by ClinVar (database versions not stated): ExAC 0.00001; gnomAD exomes 0.00002; TOPMed 0.00002; gnomAD 0.00003.
gnomAD v4.1: 44 of 1,613,320 alleles (0.0027%); highest among the groups gnomAD compares: Non-Finnish European, 0.0036%; no homozygotes.

Submission:

Labcorp Genetics (formerly Invitae), Labcorp
Classification: Uncertain significance. Last evaluated: 2025-10-15. Review status: criteria provided, single submitter. Criteria: Invitae Variant Classification Sherloc (09022015). Collection method: clinical testing. Allele origin: germline.
Comment: This sequence change replaces leucine, which is neutral and non-polar, with phenylalanine, which is neutral and non-polar, at codon 427 of the TFRC protein (p.Leu427Phe). This variant is present in population databases (rs761881584, gnomAD 0.005%). This variant has not been reported in the literature in individuals affected with TFRC-related conditions. ClinVar contains an entry for this variant (Variation ID: 1350866). Invitae Evidence Modeling of protein sequence and biophysical properties (such as structural, functional, and spatial information, amino acid conservation, physicochemical variation, residue mobility, and thermodynamic stability) has been performed for this missense variant. However, the output from this modeling did not meet the statistical confidence thresholds required to predict the impact of this variant on TFRC protein function. In summary, the available evidence is currently insufficient to determine the role of this variant in disease. Therefore, it has been classified as a Variant of Uncertain Significance.

NM_001128148.3(TFRC):c.1281G>T (p.Leu427Phe)

Gene: TFRC (transferrin receptor; minus strand). Cytogenetic location: 3q29.
Variant type: single nucleotide variant.
Coding change: c.1281G>T on transcript NM_001128148.3 (MANE Select); coding-DNA position 1281, G replaced by T.
Protein change: p.Leu427Phe; replaces leucine 427 with phenylalanine.
Molecular consequence: missense variant.
Genome position (GRCh38, 1-based): chr3:196,064,346, C>A on the plus strand (G>T on the coding strand, the complement: TFRC is on the minus strand). VCF-style: chr3-196064346-C-A. GRCh37 (hg19) VCF-style: chr3-195791217-C-A.
Other names: c.1038G>T, p.Leu346Phe (NM_001313965.2); c.435G>T, p.Leu145Phe (NM_001313966.2); c.1281G>T, p.Leu427Phe (NM_003234.4); short protein forms L427F, L145F, L346F.
Identifiers: ClinVar variation 1350866 (VCV001350866.6), dbSNP rs761881584, ClinGen allele CA2777976.